The following is an entry in ClinVar:

ClinVar aggregate classification (germline): Likely benign (0 of 4 stars; one submission).

Conditions:
SLC10A1-related disorder. Also called: SLC10A1-related condition.

Submission:

PreventionGenetics, part of Exact Sciences
Classification: Likely benign for SLC10A1-related condition. Last evaluated: 2023-08-02. Review status: no assertion criteria provided. Collection method: clinical testing. Allele origin: germline.
Comment: This variant is classified as likely benign based on ACMG/AMP sequence variant interpretation guidelines (Richards et al. 2015 PMID: 25741868, with internal and published modifications).

NM_003049.4(SLC10A1):c.*10T>C

Gene: SLC10A1 (solute carrier family 10 member 1; minus strand). Cytogenetic location: 14q24.1.
Variant type: single nucleotide variant.
Coding change: c.*10T>C on transcript NM_003049.4 (MANE Select); 10 bases downstream of the stop codon, T replaced by C.
Molecular consequence: 3 prime UTR variant.
Genome position (GRCh38, 1-based): chr14:69,776,272, A>G on the plus strand (T>C on the coding strand, the complement: SLC10A1 is on the minus strand). VCF-style: chr14-69776272-A-G. GRCh37 (hg19) VCF-style: chr14-70242989-A-G.
Identifiers: ClinVar variation 3050733 (VCV003050733.2), dbSNP rs2503018210, ClinGen allele CA2740097125.
Genomic context (GRCh38, chr14:69,776,272, plus strand): 5'-CTCTCTCTAGTTTACCACACTGGCTTTCAGAATTGCTTTGGGACCAGAATCCAGGCCACC[A>G]GGGGAAGGGCTAGGCTGTGCAAGGGGAGCAGTCCTCCCCTTTGTAGGTGCCATTTCCCAG-3'